The following is an entry in ClinVar:

ClinVar aggregate classification (germline): Likely benign (1 of 4 stars; one submission).

Submission:

CeGaT Center for Human Genetics Tuebingen
Classification: Likely benign. Last evaluated: 2022-07-01. Review status: criteria provided, single submitter. Criteria: CeGaT Center For Human Genetics Tuebingen Variant Classification Criteria Version 2. Collection method: clinical testing. Allele origin: germline. Affected: yes. Observed: 1 variant allele.
Comment: FAM120C: PM2:Supporting, BP4, BP7

NM_017848.6(FAM120C):c.330C>G (p.Pro110=)

Genes: FAM120C (family with sequence similarity 120 member C; minus strand), LOC130068321 (ATAC-STARR-seq lymphoblastoid silent region 20862; plus strand). Cytogenetic location: Xp11.22.
Variant type: single nucleotide variant.
Coding change: c.330C>G on transcript NM_017848.6 (MANE Select); coding-DNA position 330, C replaced by G.
Protein change: p.Pro110=; no amino-acid change (proline 110 retained).
Molecular consequence: synonymous variant.
Genome position (GRCh38, 1-based): chrX:54,182,869, G>C on the plus strand (C>G on the coding strand, the complement: FAM120C is on the minus strand). VCF-style: chrX-54182869-G-C. GRCh37 (hg19) VCF-style: chrX-54209302-G-C.
Other names: c.330C>G, p.Pro110= (NM_001300788.2, NM_198456.3).
Identifiers: ClinVar variation 2660656 (VCV002660656.24), dbSNP rs868917869, ClinGen allele CA328983185.